The following is an entry in ClinVar:

NM_015272.5(RPGRIP1L):c.482G>A (p.Arg161His)

Gene: RPGRIP1L (RPGRIP1 like; minus strand). Cytogenetic location: 16q12.2.
Variant type: single nucleotide variant.
Coding change: c.482G>A on transcript NM_015272.5 (MANE Select); coding-DNA position 482, G replaced by A.
Protein change: p.Arg161His; replaces arginine 161 with histidine.
Molecular consequence: missense variant.
Genome position (GRCh38, 1-based): chr16:53,692,113, C>T on the plus strand (G>A on the coding strand, the complement: RPGRIP1L is on the minus strand). VCF-style: chr16-53692113-C-T. GRCh37 (hg19) VCF-style: chr16-53726025-C-T.
Other names: c.482G>A, p.Arg161His (NM_001127897.4, NM_001308334.3, NM_001330538.2); c.482G>A (NM_015272.4); short protein forms R161H.
Identifiers: ClinVar variation 197303 (VCV000197303.24), dbSNP rs74957591, ClinGen allele CA245348.
Genomic context (GRCh38, chr16:53,692,113, plus strand): 5'-AGCTTTGTTTTACCTTTCCTGGGGCATTCCTGTAAACCAGCATTTTCATTTGCTTTTCTA[C>T]GCCCAGTGTTAATACGAGATTGTACATTATTGTATGGAGTTTGCCTGTAACCCTGGGTTT-3'
Protein context (NP_056087.2, residues 151-171): NNVQSRINTG[Arg161His]RKANENAGLQ

ClinVar aggregate classification (germline): Conflicting classifications of pathogenicity. Review status: criteria provided, conflicting classifications (1 of 4 stars). 7 submissions from 7 submitters: Uncertain significance (1); Benign (2); Likely benign (2). 2 of the submissions do not count toward it. Last evaluated 2026-01-28.

Conditions:
RPGRIP1L-related disorder. Also called: RPGRIP1L-related disorders; RPGRIP1L-related condition. Identifiers: MedGen CN239416.
Inborn genetic diseases. Identifiers: MedGen C0950123, MeSH D030342.
Meckel-Gruber syndrome. Also called: Dysencephalia splachnocystica; DYSENCEPHALIA SPLANCHNOCYSTICA; GRUBER SYNDROME. Identifiers: Orphanet 564, MedGen C0265215, MONDO:0018921.
Joubert syndrome. Also called: Familial aplasia of the vermis; JOUBERT-BOLTSHAUSER SYNDROME. Identifiers: Orphanet 475, MedGen C5979921, MONDO:0018772.

Allele frequency attached by ClinVar (database versions not stated): ESP Exome Variant Server 0.00115; gnomAD 0.00118; TOPMed 0.00123; 1000 Genomes Project 0.00140; 1000 Genomes Project 30x 0.00156.
gnomAD v4.1: 366 of 1,613,968 alleles (0.023%); highest among the groups gnomAD compares: African/African-American, 0.36%; 1 homozygote.

Submissions (7):

Labcorp Genetics (formerly Invitae), Labcorp
Classification: Benign for Joubert syndrome; Meckel-Gruber syndrome. Last evaluated: 2026-01-28. Review status: criteria provided, single submitter. Criteria: Invitae Variant Classification Sherloc (09022015). Collection method: clinical testing. Allele origin: germline.

Ambry Genetics
Classification: Likely benign for Inborn genetic diseases. Last evaluated: 2025-01-09. Review status: criteria provided, single submitter. Criteria: Ambry Variant Classification Scheme 2023. Collection method: clinical testing. Allele origin: germline.

Blueprint Genetics
Classification: Benign. Last evaluated: 2024-05-03. Review status: criteria provided, single submitter. Criteria: ACMG Guidelines, 2015. Collection method: clinical testing. Allele origin: germline.

GeneDx
Classification: Likely benign. Last evaluated: 2021-03-18. Review status: criteria provided, single submitter. Criteria: GeneDx Variant Classification Process June 2021. Collection method: clinical testing. Allele origin: germline. Affected: yes.

Eurofins Ntd Llc (ga)
Classification: Uncertain significance. Last evaluated: 2015-02-13. Review status: criteria provided, single submitter. Criteria: EGL Classification Definitions 2015. Collection method: clinical testing. Allele origin: germline. Observed: 1 variant allele, 1 heterozygote.

PreventionGenetics, part of Exact Sciences
Classification: Likely benign for RPGRIP1L-related condition. Last evaluated: 2021-12-01. Review status: no assertion criteria provided. Collection method: clinical testing. Allele origin: germline. Not counted in ClinVar's aggregate classification.
Comment: This variant is classified as likely benign based on ACMG/AMP sequence variant interpretation guidelines (Richards et al. 2015 PMID: 25741868, with internal and published modifications).

Natera, Inc.
Classification: Uncertain significance for Joubert syndrome. Last evaluated: 2019-11-11. Review status: no assertion criteria provided. Collection method: clinical testing. Allele origin: germline. Not counted in ClinVar's aggregate classification.